The following is an entry in ClinVar:

NM_001184.4(ATR):c.4145C>A (p.Thr1382Lys)

Gene: ATR (ATR checkpoint kinase; minus strand). Cytogenetic location: 3q23.
Variant type: single nucleotide variant.
Coding change: c.4145C>A on transcript NM_001184.4 (MANE Select); coding-DNA position 4145, C replaced by A.
Protein change: p.Thr1382Lys; replaces threonine 1382 with lysine.
Molecular consequence: missense variant.
Genome position (GRCh38, 1-based): chr3:142,524,000, G>T on the plus strand (C>A on the coding strand, the complement: ATR is on the minus strand). VCF-style: chr3-142524000-G-T. GRCh37 (hg19) VCF-style: chr3-142242842-G-T.
Other names: c.3953C>A, p.Thr1318Lys (NM_001354579.2); short protein forms T1318K, T1382K.
Identifiers: ClinVar variation 1738197 (VCV001738197.2), dbSNP rs2473264736, ClinGen allele CA354801932.

ClinVar aggregate classification (germline): Uncertain significance (1 of 4 stars; one submission).

Conditions:
Inborn genetic diseases. Identifiers: MedGen C0950123, MeSH D030342.

Submission:

Ambry Genetics
Classification: Uncertain significance for Inborn genetic diseases. Last evaluated: 2021-12-10. Review status: criteria provided, single submitter. Criteria: Ambry Variant Classification Scheme 2023. Collection method: clinical testing. Allele origin: germline.
Comment: The p.T1382K variant (also known as c.4145C>A), located in coding exon 22 of the ATR gene, results from a C to A substitution at nucleotide position 4145. The threonine at codon 1382 is replaced by lysine, an amino acid with similar properties. This amino acid position is conserved. In addition, the in silico prediction for this alteration is inconclusive. Since supporting evidence is limited at this time, the clinical significance of this alteration remains unclear.